The following is an entry in ClinVar:

ClinVar aggregate classification (germline): Benign/Likely benign. Review status: criteria provided, multiple submitters, no conflicts (2 of 4 stars). 4 submissions from 4 submitters: Benign (3); Likely benign (1). Last evaluated 2025-11-12.

Conditions:
Epidermolysis bullosa simplex. Also called: Epidermolysis bullosa simplex, Weber-Cockayne type (subtype); Epidermolysis bullosa simplex, Dowling-Meara type (subtype); Epidermolysis bullosa simplex with mottled pigmentation (subtype). Identifiers: Orphanet 304, MedGen C0079298, MONDO:0017610.
Epidermolysis bullosa simplex 2B, generalized intermediate (EBS2B). Also called: Epidermolysis bullosa simplex 2B, Koebner type. Identifiers: MedGen C5562009, MONDO:0030525, OMIM 619588.
Epidermolysis bullosa simplex 2A, generalized severe. Also called: Epidermolysis bullosa simplex 2, severe; Epidermolysis bullosa simplex 2, generalized severe; Epidermolysis bullosa simplex 2, Dowling-Meara type. Identifiers: MedGen CN301077, MONDO:0030489, OMIM 619555.
Epidermolysis bullosa simplex 2C, localized (EBS2C). Also called: Epidermolysis bullosa simplex 2C, Weber-Cockayne type. Identifiers: MedGen C5562011, MONDO:0030527, OMIM 619594.
Epidermolysis bullosa simplex 2d, generalized, intermediate or severe, autosomal recessive. Identifiers: MedGen C5562014, MONDO:0030535, OMIM 619599.
Epidermolysis bullosa simplex with mottled pigmentation (EBS2F). Also called: SPECKLED HYPERPIGMENTATION WITH PUNCTATE PALMOPLANTAR KERATOSES AND CHILDHOOD BLISTERING; EPIDERMOLYSIS BULLOSA SIMPLEX 2F, WITH MOTTLED PIGMENTATION. Identifiers: Orphanet 79397, MedGen C0432316, MONDO:0007556, OMIM 131960.
Epidermolysis bullosa simplex 1A, generalized severe (EBS1A). Also called: Epidermolysis bullosa simplex Dowling-Meara type. Identifiers: Orphanet 79396, MedGen C0079295, MONDO:0007550, OMIM 131760.
Epidermolysis bullosa simplex with migratory circinate erythema. Also called: Epidermolysis bullosa simplex 2E, with migratory circinate erythema. Identifiers: Orphanet 158681, MedGen C1836284, MONDO:0012258, OMIM 609352.
Dowling-Degos disease 1. Identifiers: Orphanet 79145, MedGen C4552092, MONDO:0024534, OMIM 179850.
KRT5-related disorder. Also called: KRT5-related condition.

Allele frequency attached by ClinVar (database versions not stated): ESP Exome Variant Server 0.00015; gnomAD 0.00018 and 0.00149; TOPMed 0.00045; 1000 Genomes Project 30x 0.00890; 1000 Genomes Project 0.00978.
gnomAD v4.1: 3,921 of 1,613,946 alleles (0.24%); highest among the groups gnomAD compares: South Asian, 3.8%; 96 homozygotes.

Submissions (4):

Labcorp Genetics (formerly Invitae), Labcorp
Classification: Benign. Last evaluated: 2025-11-12. Review status: criteria provided, single submitter. Criteria: Invitae Variant Classification Sherloc (09022015). Collection method: clinical testing. Allele origin: germline.

PreventionGenetics, part of Exact Sciences
Classification: Benign for KRT5-related condition. Last evaluated: 2025-01-22. Review status: criteria provided, single submitter. Criteria: ACMG Guidelines, 2015. Collection method: clinical testing. Allele origin: germline.
Comment: This variant is classified as benign based on ACMG/AMP sequence variant interpretation guidelines (Richards et al. 2015 PMID: 25741868, with internal and published modifications).

Fulgent Genetics
Classification: Likely benign for Epidermolysis bullosa simplex 1A, generalized severe; Epidermolysis bullosa simplex with mottled pigmentation; Dowling-Degos disease 1; Epidermolysis bullosa simplex with migratory circinate erythema; Epidermolysis bullosa simplex 2A, generalized severe; Epidermolysis bullosa simplex 2B, generalized intermediate; Epidermolysis bullosa simplex 2C, localized; Epidermolysis bullosa simplex 2d, generalized, intermediate or severe, autosomal recessive. Last evaluated: 2022-01-08. Review status: criteria provided, single submitter. Criteria: ACMG Guidelines, 2015. Collection method: clinical testing. Allele origin: unknown.

Illumina Laboratory Services, Illumina
Classification: Benign for Epidermolysis bullosa simplex. Last evaluated: 2018-01-13. Review status: criteria provided, single submitter. Criteria: ICSL Variant Classification Criteria 13 December 2019. Collection method: clinical testing. Allele origin: germline.
Comment: This variant was observed in the ICSL laboratory as part of a predisposition screen in an ostensibly healthy population. It had not been previously curated by ICSL or reported in the Human Gene Mutation Database (HGMD: prior to June 1st, 2018), and was therefore a candidate for classification through an automated scoring system. Utilizing variant allele frequency, disease prevalence and penetrance estimates, and inheritance mode, an automated score was calculated to assess if this variant is too frequent to cause the disease. Based on the score and internal cut-off values, a variant classified as benign is not then subjected to further curation. The score for this variant resulted in a classification of benign for this disease.

NM_000424.4(KRT5):c.110G>A (p.Arg37Gln)

Gene: KRT5 (keratin 5; minus strand). Cytogenetic location: 12q13.13.
Variant type: single nucleotide variant.
Coding change: c.110G>A on transcript NM_000424.4 (MANE Select); coding-DNA position 110, G replaced by A.
Protein change: p.Arg37Gln; replaces arginine 37 with glutamine.
Molecular consequence: missense variant.
Genome position (GRCh38, 1-based): chr12:52,520,187, C>T on the plus strand (G>A on the coding strand, the complement: KRT5 is on the minus strand). VCF-style: chr12-52520187-C-T. GRCh37 (hg19) VCF-style: chr12-52913971-C-T.
Other names: short protein forms R37Q.
Identifiers: ClinVar variation 309575 (VCV000309575.15), dbSNP rs61747181, ClinGen allele CA6582927.